The following is an entry in ClinVar:

NM_000051.4(ATM):c.1274_1277del (p.Ala425fs)

Gene: ATM (ATM serine/threonine kinase; plus strand). Cytogenetic location: 11q22.3.
Variant type: Deletion.
Coding change: c.1274_1277del on transcript NM_000051.4 (MANE Select); coding-DNA positions 1274 to 1277, 4 bases deleted (CAAG; older notation c.1274_1277delCAAG).
Protein change: p.Ala425fs; shifts the reading frame from alanine 425.
Molecular consequence: frameshift variant.
Genome position (GRCh38, 1-based): chr11:108,250,739-108,250,742, CAAG deleted; deleting any 4 consecutive bases within chr11:108,250,738-108,250,742 gives the same sequence; the c. name uses the placement nearest the transcript's 3' end. VCF-style (leftmost placement, unchanged base first): chr11-108250737-TGCAA-T. GRCh37 (hg19) VCF-style: chr11-108121464-TGCAA-T.
Other names: c.1274_1277del, p.Ala425fs (NM_001351834.2); short protein forms A425fs.
Identifiers: ClinVar variation 818769 (VCV000818769.11), dbSNP rs1591523010, ClinGen allele CA915948347.
Genomic context (GRCh38, chr11:108,250,737, plus strand): 5'-ATTATCCTTTTTTTTTTTTTTTAGGCTACAGATTGCAACCCAATTAATATCAAAGTATCC[TGCAA>T]GTTTACCTAACTGTGAGCTGTCTCCATTACTGATGATACTATCTCAGCTTCTACCCCAAC-3'

ClinVar aggregate classification (germline): Pathogenic/Likely pathogenic. Review status: criteria provided, multiple submitters, no conflicts (2 of 4 stars). 3 submissions from 3 submitters: Pathogenic (2); Likely pathogenic (1). Last evaluated 2025-09-15.

Conditions:
Ataxia-telangiectasia syndrome (AT). Also called: Cerebello-oculocutaneous telangiectasia; Immunodeficiency with ataxia telangiectasia; Ataxia-telangiectasia, complementation group E; Ataxia-telangiectasia, complementation group D; AT, COMPLEMENTATION GROUP C; ATAXIA-TELANGIECTASIA, COMPLEMENTATION GROUP A. Identifiers: Orphanet 100, MedGen C0004135, MONDO:0008840, OMIM 208900.
Hereditary cancer-predisposing syndrome. Also called: Hereditary Cancer Syndrome; Neoplastic Syndromes, Hereditary; Hereditary neoplastic syndrome; Tumor predisposition. Identifiers: Orphanet 140162, MedGen C0027672, MeSH D009386, MONDO:0015356.
Familial cancer of breast. Also called: Hereditary breast cancer; hereditary breast carcinoma; BREAST CANCER, FAMILIAL. Identifiers: Orphanet 227535, MedGen C0346153, MONDO:0016419, OMIM 114480. Disease mechanism: loss of function.

Submissions (3):

Labcorp Genetics (formerly Invitae), Labcorp
Classification: Pathogenic for Ataxia-telangiectasia syndrome. Last evaluated: 2025-09-15. Review status: criteria provided, single submitter. Criteria: Invitae Variant Classification Sherloc (09022015). Collection method: clinical testing. Allele origin: germline.
Comment: This sequence change creates a premature translational stop signal (p.Ala425Valfs*11) in the ATM gene. It is expected to result in an absent or disrupted protein product. Loss-of-function variants in ATM are known to be pathogenic (PMID: 23807571, 25614872). This variant is not present in population databases (gnomAD no frequency). This variant has not been reported in the literature in individuals affected with ATM-related conditions. ClinVar contains an entry for this variant (Variation ID: 818769). For these reasons, this variant has been classified as Pathogenic.

Baylor Genetics
Classification: Likely pathogenic for Familial cancer of breast. Last evaluated: 2023-04-13. Review status: criteria provided, single submitter. Criteria: ACMG Guidelines, 2015. Collection method: clinical testing. Allele origin: unknown.

Ambry Genetics
Classification: Pathogenic for Hereditary cancer-predisposing syndrome. Last evaluated: 2019-05-16. Review status: criteria provided, single submitter. Criteria: Ambry Variant Classification Scheme 2023. Collection method: clinical testing. Allele origin: germline.
Comment: The c.1274_1277delCAAG pathogenic mutation, located in coding exon 9 of the ATM gene, results from a deletion of 4 nucleotides at nucleotide positions 1274 to 1277, causing a translational frameshift with a predicted alternate stop codon (p.A425Vfs*11). This alteration is expected to result in loss of function by premature protein truncation or nonsense-mediated mRNA decay. As such, this alteration is interpreted as a disease-causing mutation.

Literature cited by the submitters: PubMed 23807571 (cited by Labcorp Genetics (formerly Invitae), Labcorp); PubMed 25614872 (cited by Labcorp Genetics (formerly Invitae), Labcorp).